The following is an entry in ClinVar:

ClinVar aggregate classification (germline): Uncertain significance. Review status: criteria provided, multiple submitters, no conflicts (2 of 4 stars). 2 submissions from 2 submitters: Uncertain significance (2). Last evaluated 2024-12-22.

Conditions:
Hereditary nonpolyposis colorectal neoplasms. Identifiers: MedGen C0009405, MeSH D003123.
Hereditary cancer-predisposing syndrome. Also called: Neoplastic Syndromes, Hereditary; Tumor predisposition; Hereditary Cancer Syndrome; Hereditary neoplastic syndrome. Identifiers: Orphanet 140162, MedGen C0027672, MeSH D009386, MONDO:0015356.

Submissions (2):

Labcorp Genetics (formerly Invitae), Labcorp
Classification: Uncertain significance for Hereditary nonpolyposis colorectal neoplasms. Last evaluated: 2024-12-22. Review status: criteria provided, single submitter. Criteria: Invitae Variant Classification Sherloc (09022015). Collection method: clinical testing. Allele origin: germline.
Comment: This sequence change falls in intron 8 of the MSH6 gene. It does not directly change the encoded amino acid sequence of the MSH6 protein. This variant is not present in population databases (gnomAD no frequency). This variant has not been reported in the literature in individuals affected with MSH6-related conditions. ClinVar contains an entry for this variant (Variation ID: 1734429). Experimental studies and prediction algorithms are not available or were not evaluated, and the functional significance of this variant is currently unknown. In summary, the available evidence is currently insufficient to determine the role of this variant in disease. Therefore, it has been classified as a Variant of Uncertain Significance.

Ambry Genetics
Classification: Uncertain significance for Hereditary cancer-predisposing syndrome. Last evaluated: 2021-05-21. Review status: criteria provided, single submitter. Criteria: Ambry Variant Classification Scheme 2023. Collection method: clinical testing. Allele origin: germline.
Comment: The c.3737_3801+29dup94 variant results from a duplication of 94 nucleotides spanning the last 65 nucleotides of coding exon 8 into the first 29 nucleotides of intron 8, including the canonical splice donor site. In silico splice site analysis predicts that this alteration may result in the creation or strengthening of a novel splice donor site. However, RNA studies have demonstrated that this alteration does not result in abnormal splicing in the set of samples tested (Ambry internal data). Since supporting evidence is limited at this time, the clinical significance of this alteration remains unclear.

NM_000179.3(MSH6):c.3737_3801+29dup

Gene: MSH6 (mutS homolog 6; plus strand). Cytogenetic location: 2p16.3.
Variant type: Duplication.
Coding change: c.3737_3801+29dup on transcript NM_000179.3 (MANE Select); coding-DNA position 3737 through 29 bases into the intron after coding-DNA position 3801, 94 bases duplicated.
Molecular consequence: splice donor variant.
Genome position (GRCh38, 1-based): chr2:47,806,294-47,806,387, 94 bases duplicated. GRCh37 (hg19): chr2:48,033,433-48,033,526.
Other names: c.2831_2895+29dup (NM_001281493.2, NM_001281494.2); c.3347_3411+29dup (NM_001281492.2).
Identifiers: ClinVar variation 1734429 (VCV001734429.4), dbSNP rs2530844403, ClinGen allele CA2580067308.